The following is an entry in ClinVar:

ClinVar aggregate classification (germline): Uncertain significance (1 of 4 stars; one submission).

Submission:

Clinical Genomics Laboratory, Laboratory for Precision Diagnostics, University of Washington
Classification: Uncertain significance. Last evaluated: 2017-12-08. Review status: criteria provided, single submitter. Criteria: Clinical Cytogenomics Laboratory Policy on CNV Interpretation. Collection method: clinical testing. Allele origin: maternal. Affected: yes. Observed: 1 variant allele.

GRCh37/hg19 6q15(chr6:90887390-91728519)x3

Genes: MAP3K7 (mitogen-activated protein kinase kinase kinase 7; minus strand), BACH2 (BTB domain and CNC homolog 2; minus strand). Cytogenetic location: 6q15.
Variant type: copy number gain.
Change: copy number 3 (three copies instead of two) of chr6:90,887,390-91,728,519 (841.1 kb, GRCh37 coordinates, 1-based), cytogenetic band 6q15.
Identifiers: ClinVar variation 548979 (VCV000548979.3).